The following is an entry in ClinVar:

NM_006767.4(LZTR1):c.628dup (p.Arg210fs)

Gene: LZTR1 (leucine zipper like post translational regulator 1; plus strand). Cytogenetic location: 22q11.21.
Variant type: Duplication.
Coding change: c.628dup on transcript NM_006767.4 (MANE Select); coding-DNA position 628, one base duplicated (C; older notation c.628dupC).
Protein change: p.Arg210fs; shifts the reading frame from arginine 210.
Molecular consequence: frameshift variant.
Genome position (GRCh38, 1-based): chr22:20,989,659, C duplicated; the last of 2 consecutive C bases (chr22:20,989,658-20,989,659); duplicating either gives the same sequence. VCF-style (leftmost placement, unchanged base first): chr22-20989657-A-AC. GRCh37 (hg19) VCF-style: chr22-21343946-A-AC.
Other names: short protein forms R210fs.
Identifiers: ClinVar variation 1458567 (VCV001458567.10), dbSNP rs1457594219, ClinGen allele CA638555266.

ClinVar aggregate classification (germline): Pathogenic/Likely pathogenic. Review status: criteria provided, multiple submitters, no conflicts (2 of 4 stars). 3 submissions from 3 submitters: Pathogenic (2); Likely pathogenic (1). Last evaluated 2025-08-14.

Conditions:
Cardiovascular phenotype. Identifiers: MedGen CN230736.
Hereditary cancer-predisposing syndrome. Also called: Neoplastic Syndromes, Hereditary; Hereditary Cancer Syndrome; Hereditary neoplastic syndrome; Tumor predisposition. Identifiers: Orphanet 140162, MedGen C0027672, MeSH D009386, MONDO:0015356.

Submissions (3):

Ambry Genetics
Classification: Pathogenic for Cardiovascular phenotype; Hereditary cancer-predisposing syndrome. Last evaluated: 2025-08-14. Review status: criteria provided, single submitter. Criteria: Ambry Variant Classification Scheme 2023. Collection method: clinical testing. Allele origin: germline.
Comment: The c.628dupC pathogenic mutation, located in coding exon 7 of the LZTR1 gene, results from a duplication of C at nucleotide position 628, causing a translational frameshift with a predicted alternate stop codon (p.R210Pfs*50). This alteration is expected to result in loss of function by premature protein truncation or nonsense-mediated mRNA decay. Loss-of-function variants in LZTR1 are related to an increased risk for schwannomas and autosomal recessive Noonan syndrome; however, such associations with autosomal dominant Noonan syndrome have not been observed (Piotrowski A et al. Nat Genet. 2014 Feb;46:182-7; Yamamoto GL et al. J Med Genet. 2015 Jun;52:413-21; Johnston JJ et al. Genet Med. 2018 10;20:1175-1185). Based on the supporting evidence, this variant is pathogenic for an increased risk of LZTR1-related schwannomatosis (SWN) and would be expected to cause autosomal recessive Noonan syndrome when present along with a second pathogenic or likely pathogenic variant on the other allele; however, the association of this alteration with autosomal dominant Noonan syndrome is unlikely.

Labcorp Genetics (formerly Invitae), Labcorp
Classification: Pathogenic. Last evaluated: 2024-11-06. Review status: criteria provided, single submitter. Criteria: Invitae Variant Classification Sherloc (09022015). Collection method: clinical testing. Allele origin: germline.
Comment: This sequence change creates a premature translational stop signal (p.Arg210Profs*50) in the LZTR1 gene. It is expected to result in an absent or disrupted protein product. Loss-of-function variants in LZTR1 are known to be pathogenic (PMID: 24362817, 25335493, 25480913, 25795793, 29469822, 30368668, 30442762, 30442766, 30481304, 30859559). The frequency data for this variant in the population databases is considered unreliable, as metrics indicate poor data quality at this position in the gnomAD database. This variant has not been reported in the literature in individuals affected with LZTR1-related conditions. ClinVar contains an entry for this variant (Variation ID: 1458567). Algorithms developed to predict the effect of sequence changes on RNA splicing suggest that this variant may disrupt the consensus splice site. For these reasons, this variant has been classified as Pathogenic.

Athena Diagnostics
Classification: Likely pathogenic. Last evaluated: 2021-08-06. Review status: criteria provided, single submitter. Criteria: Athena Diagnostics Criteria. Collection method: clinical testing. Allele origin: unknown.
Comment: This variant is expected to result in the loss of a functional protein. The frequency of this variant in the general population is consistent with pathogenicity. This observation is not an independent occurrence and has been identified in the same individual by RCIGM, the other laboratory participating in the GEMINI study.

Literature cited by the submitters: PubMed 24362817 (cited by Labcorp Genetics (formerly Invitae), Labcorp); PubMed 25335493 (cited by Labcorp Genetics (formerly Invitae), Labcorp); PubMed 25480913 (cited by Labcorp Genetics (formerly Invitae), Labcorp); PubMed 25795793 (cited by Labcorp Genetics (formerly Invitae), Labcorp); PubMed 29469822 (cited by Labcorp Genetics (formerly Invitae), Labcorp); PubMed 30368668 (cited by Labcorp Genetics (formerly Invitae), Labcorp); PubMed 30442762 (cited by Labcorp Genetics (formerly Invitae), Labcorp); PubMed 30442766 (cited by Labcorp Genetics (formerly Invitae), Labcorp); PubMed 30481304 (cited by Labcorp Genetics (formerly Invitae), Labcorp); PubMed 30859559 (cited by Labcorp Genetics (formerly Invitae), Labcorp).